The following is an entry in ClinVar:

ClinVar aggregate classification (germline): Uncertain significance. Review status: criteria provided, multiple submitters, no conflicts (2 of 4 stars). 2 submissions from 2 submitters: Uncertain significance (2). Last evaluated 2024-01-11.

Conditions:
Cardiomyopathy (CMYO). Also called: Cardiomyopathies. Identifiers: Orphanet 167848, MedGen C0878544, MONDO:0004994, HP:0001638. Inheritance: Various modes of inheritance.

Submissions (2):

All of Us Research Program, National Institutes of Health
Classification: Uncertain significance for Cardiomyopathy. Last evaluated: 2024-01-11. Review status: criteria provided, single submitter. Criteria: ACMG Guidelines, 2015. Collection method: clinical testing. Allele origin: germline. Inheritance: Autosomal dominant inheritance. Observed: 1 variant allele, 1 heterozygote.
Comment: This study involves interpretation of variants in research participants for the purpose of population health screening. Participant phenotype was not available at the time of variant classification. Additional details can be found in publication PMID: 35346344, PMCID: PMC8962531

GeneDx
Classification: Uncertain significance. Last evaluated: 2017-10-18. Review status: criteria provided, single submitter. Criteria: GeneDx Variant Classification (06012015). Collection method: clinical testing. Allele origin: germline. Affected: yes.
Comment: A variant of uncertain significance has been identified in the TNNT2 gene. The W287L variant has not been published as pathogenic or been reported as benign to our knowledge. This variant is not observed in large population cohorts (Lek et al., 2016). The W287L variant is a semi-conservative amino acid substitution, which may impact secondary protein structure as these residues differ in some properties. This substitution occurs at a position that is conserved across species, and in silico analysis predicts this variant is probably damaging to the protein structure/function. However, to our knowledge no studies have been performed to determine the functional effect of the W287L variant.

NM_001276345.2(TNNT2):c.890G>T (p.Trp297Leu)

Gene: TNNT2 (troponin T2, cardiac type; minus strand). Cytogenetic location: 1q32.1.
Variant type: single nucleotide variant.
Coding change: c.890G>T on transcript NM_001276345.2 (MANE Select); coding-DNA position 890, G replaced by T.
Protein change: p.Trp297Leu; replaces tryptophan 297 with leucine.
Molecular consequence: missense variant.
Genome position (GRCh38, 1-based): chr1:201,359,217, C>A on the plus strand (G>T on the coding strand, the complement: TNNT2 is on the minus strand). VCF-style: chr1-201359217-C-A. GRCh37 (hg19) VCF-style: chr1-201328345-C-A.
Other names: c.881G>T, p.Trp294Leu (NM_000364.4); c.860G>T, p.Trp287Leu (NM_001001430.3, NM_001276347.2); c.851G>T, p.Trp284Leu (NM_001001431.3); c.842G>T, p.Trp281Leu (NM_001001432.3); c.761G>T, p.Trp254Leu (NM_001276346.2); short protein forms W287L, W294L, W281L, W284L, W297L, W254L.
Identifiers: ClinVar variation 452905 (VCV000452905.3), dbSNP rs727504247, ClinGen allele CA344201828.